The following is an entry in ClinVar:

ClinVar aggregate classification (germline): Uncertain significance. Review status: criteria provided, multiple submitters, no conflicts (2 of 4 stars). 2 submissions from 2 submitters: Uncertain significance (2). Last evaluated 2025-06-15.

Conditions:
Ehlers-Danlos syndrome, classic type, 1 (EDSCL1). Also called: EHLERS-DANLOS SYNDROME, GRAVIS TYPE; EHLERS-DANLOS SYNDROME, SEVERE CLASSIC TYPE; Ehlers-Danlos syndrome, type 1; EDS I; Ehlers-Danlos Syndrome, Classic Type, COL5A1-Related. Identifiers: MedGen C0268335, MONDO:0019567, OMIM 130000.

Submissions (2):

Labcorp Genetics (formerly Invitae), Labcorp
Classification: Uncertain significance for Ehlers-Danlos syndrome, classic type, 1. Last evaluated: 2025-06-15. Review status: criteria provided, single submitter. Criteria: Invitae Variant Classification Sherloc (09022015). Collection method: clinical testing. Allele origin: germline.
Comment: This sequence change replaces proline, which is neutral and non-polar, with alanine, which is neutral and non-polar, at codon 611 of the COL5A2 protein (p.Pro611Ala). This variant is not present in population databases (gnomAD no frequency). This variant has not been reported in the literature in individuals affected with COL5A2-related conditions. ClinVar contains an entry for this variant (Variation ID: 1306344). Invitae Evidence Modeling of protein sequence and biophysical properties (such as structural, functional, and spatial information, amino acid conservation, physicochemical variation, residue mobility, and thermodynamic stability) indicates that this missense variant is not expected to disrupt COL5A2 protein function with a negative predictive value of 95%. In summary, the available evidence is currently insufficient to determine the role of this variant in disease. Therefore, it has been classified as a Variant of Uncertain Significance.

GeneDx
Classification: Uncertain significance. Last evaluated: 2019-06-21. Review status: criteria provided, single submitter. Criteria: GeneDx Variant Classification Process June 2021. Collection method: clinical testing. Allele origin: germline. Affected: yes.
Comment: Has not been previously published as pathogenic or benign to our knowledge; Not observed in large population cohorts (Lek et al., 2016); In silico analysis, which includes protein predictors and evolutionary conservation, supports a deleterious effect

NM_000393.5(COL5A2):c.1831C>G (p.Pro611Ala)

Gene: COL5A2 (collagen type V alpha 2 chain; minus strand). Cytogenetic location: 2q32.2.
Variant type: single nucleotide variant.
Coding change: c.1831C>G on transcript NM_000393.5 (MANE Select); coding-DNA position 1831, C replaced by G.
Protein change: p.Pro611Ala; replaces proline 611 with alanine.
Molecular consequence: missense variant.
Genome position (GRCh38, 1-based): chr2:189,063,210, G>C on the plus strand (C>G on the coding strand, the complement: COL5A2 is on the minus strand). VCF-style: chr2-189063210-G-C. GRCh37 (hg19) VCF-style: chr2-189927936-G-C.
Other names: short protein forms P611A.
Identifiers: ClinVar variation 1306344 (VCV001306344.5), dbSNP rs1438423994, ClinGen allele CA349879886.
Genomic context (GRCh38, chr2:189,063,210, plus strand): 5'-ACATATTATACACTGTACTCACACTGCTACCTTTGGGGCCTGGAAGGCCCATGCTCCCGG[G>C]CTGCCCTCTGATTCCTATGGAGCCTGGAGGACCTGGACGGCCATCTTCCCCTGGCGCACC-3'
Protein context (NP_000384.2, residues 601-621): PPGSIGIRGQ[Pro611Ala]GSMGLPGPKG